The following is an entry in ClinVar:

NM_014847.4(UBAP2L):c.1964dup (p.Leu656fs)

Gene: UBAP2L (ubiquitin associated protein 2 like; plus strand). Cytogenetic location: 1q21.3.
Variant type: Duplication.
Coding change: c.1964dup on transcript NM_014847.4 (MANE Select); coding-DNA position 1964, one base duplicated (C; older notation c.1964dupC).
Protein change: p.Leu656fs; shifts the reading frame from leucine 656.
Molecular consequence: frameshift variant.
Genome position (GRCh38, 1-based): chr1:154,255,206, C duplicated; the last of 6 consecutive C bases (chr1:154,255,201-154,255,206); duplicating any one gives the same sequence. VCF-style (leftmost placement, unchanged base first): chr1-154255200-T-TC. GRCh37 (hg19) VCF-style: chr1-154227676-T-TC.
Other names: c.1964dup, p.Leu656fs (NM_001127320.3, NM_001375614.1, NM_001375615.1 and 14 more transcripts); c.1943dup, p.Leu649fs (NM_001287815.1); c.1997dup, p.Leu667fs (NM_001287816.1, NM_001330730.1, NM_001375612.1 and 2 more transcripts); short protein forms L649fs, L656fs, L667fs.
Identifiers: ClinVar variation 3767876 (VCV003767876.1).

ClinVar aggregate classification (germline): Pathogenic (1 of 4 stars; one submission).

Conditions:
Neurodevelopmental abnormality. Identifiers: MedGen C4022737, HP:0012759.

Submission:

Clinical Genetics Laboratory, Skane University Hospital Lund
Classification: Pathogenic for Neurodevelopmental abnormality. Last evaluated: 2024-07-09. Review status: criteria provided, single submitter. Criteria: ACMG Guidelines, 2015. Collection method: clinical testing. Allele origin: de novo. Inheritance: Autosomal dominant inheritance. Affected: yes.
Comment: PVS1, PS4, PM2